The following is an entry in ClinVar:

NM_000230.3(LEP):c.416G>T (p.Gly139Val)

Gene: LEP (leptin; plus strand). Cytogenetic location: 7q32.1.
Variant type: single nucleotide variant.
Coding change: c.416G>T on transcript NM_000230.3 (MANE Select); coding-DNA position 416, G replaced by T.
Protein change: p.Gly139Val; replaces glycine 139 with valine.
Molecular consequence: missense variant.
Genome position (GRCh38, 1-based): chr7:128,254,675, G>T. VCF-style: chr7-128254675-G-T. GRCh37 (hg19) VCF-style: chr7-127894728-G-T.
Other names: short protein forms G139V.
Identifiers: ClinVar variation 4980205 (VCV004980205.1).

ClinVar aggregate classification (germline): Uncertain significance (1 of 4 stars; one submission).

Conditions:
LEP-related disorder. Also called: LEP-related condition.

gnomAD v4.1: 7 of 1,614,060 alleles (0.00043%); highest among the groups gnomAD compares: Non-Finnish European, 0.00059%; no homozygotes.

Submission:

PreventionGenetics, part of Exact Sciences
Classification: Uncertain significance for LEP-related condition. Last evaluated: 2025-08-12. Review status: criteria provided, single submitter. Criteria: ACMG Guidelines, 2015. Collection method: clinical testing. Allele origin: germline.
Comment: The LEP c.416G>T variant is predicted to result in the amino acid substitution p.Gly139Val. To our knowledge, this variant has not been reported in the literature or in a large population database (gnomAD), indicating this variant is rare. At this time, the clinical significance of this variant is uncertain due to the absence of conclusive functional and genetic evidence.